The following is an entry in ClinVar:

NM_000179.3(MSH6):c.415A>C (p.Thr139Pro)

Gene: MSH6 (mutS homolog 6; plus strand). Cytogenetic location: 2p16.3.
Variant type: single nucleotide variant.
Coding change: c.415A>C on transcript NM_000179.3 (MANE Select); coding-DNA position 415, A replaced by C.
Protein change: p.Thr139Pro; replaces threonine 139 with proline.
Molecular consequence: missense variant. On other transcripts: 5 prime UTR variant (2), intron variant (1).
Genome position (GRCh38, 1-based): chr2:47,791,081, A>C. VCF-style: chr2-47791081-A-C. GRCh37 (hg19) VCF-style: chr2-48018220-A-C.
Other names: c.-322A>C (NM_001281493.2, NM_001406811.1, NM_001406823.1 and 1 more transcripts); c.-488A>C (NM_001281494.2); c.511A>C, p.Thr171Pro (NM_001406795.1, NM_001406802.1); c.415A>C, p.Thr139Pro (NM_001406796.1, NM_001406809.1, NM_001406813.1 and 6 more transcripts); c.-580A>C (NM_001406814.1); c.118A>C, p.Thr40Pro (NM_001406818.1, NM_001406819.1, NM_001406820.1 and 10 more transcripts); c.238-7530A>C (NM_001281492.2); c.337A>C, p.Thr113Pro (NM_001406804.1); and 2 more; short protein forms T83P, T139P, T40P, T113P, T171P.
Identifiers: ClinVar variation 1738316 (VCV001738316.2), dbSNP rs991924818, ClinGen allele CA346737123.

ClinVar aggregate classification (germline): Uncertain significance (1 of 4 stars; one submission).

Conditions:
Hereditary cancer-predisposing syndrome. Also called: Neoplastic Syndromes, Hereditary; Tumor predisposition; Hereditary Cancer Syndrome; Hereditary neoplastic syndrome. Identifiers: Orphanet 140162, MedGen C0027672, MeSH D009386, MONDO:0015356.

Submission:

Ambry Genetics
Classification: Uncertain significance for Hereditary cancer-predisposing syndrome. Last evaluated: 2021-10-20. Review status: criteria provided, single submitter. Criteria: Ambry Variant Classification Scheme 2023. Collection method: clinical testing. Allele origin: germline.
Comment: The p.T139P variant (also known as c.415A>C), located in coding exon 2 of the MSH6 gene, results from an A to C substitution at nucleotide position 415. The threonine at codon 139 is replaced by proline, an amino acid with highly similar properties. This amino acid position is well conserved in available vertebrate species. In addition, the in silico prediction for this alteration is inconclusive. Since supporting evidence is limited at this time, the clinical significance of this alteration remains unclear.